The following is an entry in ClinVar:

NM_175634.3(RUNX1T1):c.597C>T (p.Cys199=)

Gene: RUNX1T1 (RUNX1 partner transcriptional co-repressor 1; minus strand). Cytogenetic location: 8q21.3.
Variant type: single nucleotide variant.
Coding change: c.597C>T on transcript NM_175634.3 (MANE Select); coding-DNA position 597, C replaced by T.
Protein change: p.Cys199=; no amino-acid change (cysteine 199 retained).
Molecular consequence: synonymous variant.
Genome position (GRCh38, 1-based): chr8:92,005,259, G>A on the plus strand (C>T on the coding strand, the complement: RUNX1T1 is on the minus strand). VCF-style: chr8-92005259-G-A. GRCh37 (hg19) VCF-style: chr8-93017487-G-A.
Other names: c.516C>T, p.Cys172= (NM_001198625.2, NM_001198632.2, NM_004349.4); c.597C>T, p.Cys199= (NM_001198626.2, NM_001198627.2, NM_001198628.2 and 3 more transcripts); c.537C>T, p.Cys179= (NM_001198633.2); c.630C>T, p.Cys210= (NM_001198634.2); c.774C>T, p.Cys258= (NM_001198679.3); c.681C>T, p.Cys227= (NM_001395209.1); c.486C>T, p.Cys162= (NM_175635.3, NM_175636.2).
Identifiers: ClinVar variation 3033200 (VCV003033200.2), dbSNP rs138740592, ClinGen allele CA4806098.
Genomic context (GRCh38, chr8:92,005,259, plus strand): 5'-CAGAAGCAGCTGTTCATGCTGGGCGAGGTACTGGGCAGGGTTCTGTTTGGCCAGTCTTGC[G>A]CAGTGGAGGAGCTCACGCTGCAGCAGGGGCAAGTTGGCCTGCAAGGGAATGACAGGAATG-3'
Protein context (NP_783552.1, residues 189-209): LPLLQRELLH[Cys199=]ARLAKQNPAQ

ClinVar aggregate classification (germline): Likely benign (0 of 4 stars; one submission).

Conditions:
RUNX1T1-related disorder. Also called: RUNX1T1-related condition.

Allele frequency attached by ClinVar (database versions not stated): gnomAD 0.00005; gnomAD exomes 0.00005; ExAC 0.00008; TOPMed 0.00011; ESP Exome Variant Server 0.00015; 1000 Genomes Project 30x 0.00031; 1000 Genomes Project 0.00040.
gnomAD v4.1: 79 of 1,613,300 alleles (0.0049%); highest among the groups gnomAD compares: Admixed American, 0.027%; no homozygotes.

Submission:

PreventionGenetics, part of Exact Sciences
Classification: Likely benign for RUNX1T1-related condition. Last evaluated: 2019-06-13. Review status: no assertion criteria provided. Collection method: clinical testing. Allele origin: germline.
Comment: This variant is classified as likely benign based on ACMG/AMP sequence variant interpretation guidelines (Richards et al. 2015 PMID: 25741868, with internal and published modifications).